The following is an entry in ClinVar:

ClinVar aggregate classification (germline): Uncertain significance (1 of 4 stars; one submission).

Submission:

Clinical Genomics Laboratory, Washington University in St. Louis
Classification: Uncertain significance. Last evaluated: 2026-01-02. Review status: criteria provided, single submitter. Criteria: ACMG Guidelines, 2015. Collection method: clinical testing. Allele origin: germline.
Comment: The RASA3 c.173+1G>T variant, to our knowledge, has not been reported in the medical literature and is absent from the general population (gnomAD v4.1.0), indicating it is not a common variant. This variant occurs within the canonical splice donor site of the first exon, and is predicted to cause altered splicing of the transcript. Due to limited information, the clinical significance of this variant is uncertain.

NM_007368.4(RASA3):c.173+1G>T

Genes: RASA3 (RAS p21 protein activator 3; minus strand), LOC126861874 (BRD4-independent group 4 enhancer GRCh37_chr13:114838566-114839765; plus strand). Cytogenetic location: 13q34.
Variant type: single nucleotide variant.
Coding change: c.173+1G>T on transcript NM_007368.4 (MANE Select); the canonical splice donor site of the intron after coding-DNA position 173, G replaced by T.
Molecular consequence: splice donor variant.
Genome position (GRCh38, 1-based): chr13:114,073,719, C>A on the plus strand (G>T on the coding strand, the complement: RASA3 is on the minus strand). VCF-style: chr13-114073719-C-A. GRCh37 (hg19) VCF-style: chr13-114839194-C-A.
Other names: c.-1443+1G>T (NM_001320821.2); c.77+1G>T (NM_001320822.2).
Identifiers: ClinVar variation 4879560 (VCV004879560.1).